The following is an entry in ClinVar:

NM_014297.5(ETHE1):c.396_397insAC (p.Pro133fs)

Gene: ETHE1 (ETHE1 persulfide dioxygenase; minus strand). Cytogenetic location: 19q13.31.
Variant type: Insertion.
Coding change: c.396_397insAC on transcript NM_014297.5 (MANE Select); coding-DNA positions 396 to 397, AC inserted.
Protein change: p.Pro133fs; shifts the reading frame from proline 133.
Molecular consequence: frameshift variant.
Genome position: GRCh38 VCF-style: chr19-43511545-G-GGT. GRCh37 (hg19) VCF-style: chr19-44015697-G-GGT.
Other names: c.363_364insAC, p.Pro122fs (NM_001320867.2); c.27_28insAC, p.Pro10fs (NM_001320868.2); c.102_103insAC, p.Pro35fs (NM_001320869.2); short protein forms P133fs, P122fs, P35fs, P10fs.
Identifiers: ClinVar variation 2971554 (VCV002971554.3), dbSNP rs2513609768, ClinGen allele CA2585520859.

ClinVar aggregate classification (germline): Pathogenic (1 of 4 stars; one submission).

Conditions:
Ethylmalonic encephalopathy (EE). Also called: EPEMA syndrome; Encephalopathy, petechiae, and ethylmalonic aciduria; Syndrome of encephalopathy, petechiae, and ethylmalonic aciduria. Identifiers: Orphanet 51188, MedGen C1865349, MONDO:0011229, OMIM 602473. Disease mechanism: loss of function.

Submission:

Labcorp Genetics (formerly Invitae), Labcorp
Classification: Pathogenic for Ethylmalonic encephalopathy. Last evaluated: 2023-04-12. Review status: criteria provided, single submitter. Criteria: Invitae Variant Classification Sherloc (09022015). Collection method: clinical testing. Allele origin: germline.
Comment: This variant has not been reported in the literature in individuals affected with ETHE1-related conditions. For these reasons, this variant has been classified as Pathogenic. This variant is not present in population databases (gnomAD no frequency). This sequence change creates a premature translational stop signal (p.Pro133Thrfs*13) in the ETHE1 gene. It is expected to result in an absent or disrupted protein product. Loss-of-function variants in ETHE1 are known to be pathogenic (PMID: 14732903, 19136963).

Literature cited by the submitters: PubMed 14732903; PubMed 19136963.